The following is an entry in ClinVar:

ClinVar aggregate classification (germline): Benign/Likely benign. Review status: criteria provided, multiple submitters, no conflicts (2 of 4 stars). 4 submissions from 4 submitters: Benign (3); Likely benign (1). Last evaluated 2026-02-01.

Conditions:
Lissencephaly 9 with complex brainstem malformation. Identifiers: Orphanet 572013, MedGen C5193029, MONDO:0032677, OMIM 618325.

Allele frequency attached by ClinVar (database versions not stated): ESP Exome Variant Server 0.00092; gnomAD 0.00121 and 0.00126.
gnomAD v4.1: 2,109 of 1,386,068 alleles (0.15%); highest among the groups gnomAD compares: Non-Finnish European, 0.18%; 1 homozygote.

Submissions (4):

CeGaT Center for Human Genetics Tuebingen
Classification: Benign. Last evaluated: 2026-02-01. Review status: criteria provided, single submitter. Criteria: CeGaT Center For Human Genetics Tuebingen Variant Classification Criteria Version 2. Collection method: clinical testing. Allele origin: germline. Affected: yes. Observed: 5 variant alleles.
Comment: MACF1: BP4, BS1, BS2

Labcorp Genetics (formerly Invitae), Labcorp
Classification: Benign. Last evaluated: 2026-01-12. Review status: criteria provided, single submitter. Criteria: Invitae Variant Classification Sherloc (09022015). Collection method: clinical testing. Allele origin: germline.

Blueprint Genetics
Classification: Likely benign. Last evaluated: 2024-10-31. Review status: criteria provided, single submitter. Criteria: ACMG Guidelines, 2015. Collection method: clinical testing. Allele origin: germline.

Genome-Nilou Lab
Classification: Benign for Lissencephaly 9 with complex brainstem malformation. Last evaluated: 2023-04-11. Review status: criteria provided, single submitter. Criteria: ACMG Guidelines, 2015. Collection method: clinical testing. Allele origin: germline. Affected: no.

NM_001394062.1(MACF1):c.17566-6A>T

Gene: MACF1 (microtubule actin crosslinking factor 1; plus strand). Cytogenetic location: 1p34.3.
Variant type: single nucleotide variant.
Coding change: c.17566-6A>T on transcript NM_001394062.1 (MANE Select); 6 bases into the intron before coding-DNA position 17566, A replaced by T.
Molecular consequence: intron variant.
Genome position (GRCh38, 1-based): chr1:39,434,408, A>T. VCF-style: chr1-39434408-A-T. GRCh37 (hg19) VCF-style: chr1-39900080-A-T.
Other names: c.11380-6A>T (NM_012090.5).
Identifiers: ClinVar variation 1566172 (VCV001566172.38), dbSNP rs374768437, ClinGen allele CA783665.